The following is an entry in ClinVar:

ClinVar aggregate classification (germline): Uncertain significance (1 of 4 stars; one submission).

Conditions:
Pitt-Hopkins-like syndrome 2 (PTHSL2). Identifiers: Orphanet 221150, Orphanet 600663, MedGen C3280479, MONDO:0013690, OMIM 614325.

Allele frequency attached by ClinVar (database versions not stated): gnomAD exomes below 0.00001 and 0.00001.
gnomAD v4.1: 4 of 1,614,006 alleles (0.00025%); highest among the groups gnomAD compares: East Asian, 0.0089%; no homozygotes.

Submission:

Labcorp Genetics (formerly Invitae), Labcorp
Classification: Uncertain significance for Pitt-Hopkins-like syndrome 2. Last evaluated: 2024-11-05. Review status: criteria provided, single submitter. Criteria: Invitae Variant Classification Sherloc (09022015). Collection method: clinical testing. Allele origin: germline.
Comment: This sequence change replaces alanine, which is neutral and non-polar, with glycine, which is neutral and non-polar, at codon 1356 of the NRXN1 protein (p.Ala1356Gly). This variant is present in population databases (no rsID available, gnomAD 0.006%). This variant has not been reported in the literature in individuals affected with NRXN1-related conditions. ClinVar contains an entry for this variant (Variation ID: 953898). Invitae Evidence Modeling of protein sequence and biophysical properties (such as structural, functional, and spatial information, amino acid conservation, physicochemical variation, residue mobility, and thermodynamic stability) indicates that this missense variant is not expected to disrupt NRXN1 protein function with a negative predictive value of 80%. In summary, the available evidence is currently insufficient to determine the role of this variant in disease. Therefore, it has been classified as a Variant of Uncertain Significance.

NM_001330078.2(NRXN1):c.3947C>G (p.Ala1316Gly)

Gene: NRXN1 (neurexin 1; minus strand). Cytogenetic location: 2p16.3.
Variant type: single nucleotide variant.
Coding change: c.3947C>G on transcript NM_001330078.2 (MANE Select); coding-DNA position 3947, C replaced by G.
Protein change: p.Ala1316Gly; replaces alanine 1316 with glycine.
Molecular consequence: missense variant.
Genome position (GRCh38, 1-based): chr2:50,053,452, G>C on the plus strand (C>G on the coding strand, the complement: NRXN1 is on the minus strand). VCF-style: chr2-50053452-G-C. GRCh37 (hg19) VCF-style: chr2-50280590-G-C.
Other names: c.4067C>G, p.Ala1356Gly (NM_001135659.3); c.3923C>G, p.Ala1308Gly (NM_001330077.2, NM_001330082.2); c.3791C>G, p.Ala1264Gly (NM_001330083.2); c.3881C>G, p.Ala1294Gly (NM_001330084.2); c.3920C>G, p.Ala1307Gly (NM_001330085.2); c.3947C>G, p.Ala1316Gly (NM_001330086.2); c.3746C>G, p.Ala1249Gly (NM_001330087.2, NM_001330096.2); c.3776C>G, p.Ala1259Gly (NM_001330088.2); and 6 more; short protein forms A1307G, A1356G, A281G, A1249G, A1264G, A1269G, A1286G, A1316G.
Identifiers: ClinVar variation 953898 (VCV000953898.9), dbSNP rs1370211773, ClinGen allele CA346819706.